The following is an entry in ClinVar:

ClinVar aggregate classification (germline): Pathogenic. Review status: criteria provided, multiple submitters, no conflicts (2 of 4 stars). 2 submissions from 2 submitters: Pathogenic (2). Last evaluated 2023-09-01.

Conditions:
Familial cancer of breast. Also called: BREAST CANCER, FAMILIAL; hereditary breast carcinoma; Hereditary breast cancer. Identifiers: Orphanet 227535, MedGen C0346153, MONDO:0016419, OMIM 114480. Disease mechanism: loss of function.

Submissions (2):

Labcorp Genetics (formerly Invitae), Labcorp
Classification: Pathogenic for Familial cancer of breast. Last evaluated: 2023-09-01. Review status: criteria provided, single submitter. Criteria: Invitae Variant Classification Sherloc (09022015). Collection method: clinical testing. Allele origin: germline.
Comment: For these reasons, this variant has been classified as Pathogenic. This sequence change creates a premature translational stop signal (p.Phe418Leufs*5) in the CHEK2 gene. It is expected to result in an absent or disrupted protein product. Loss-of-function variants in CHEK2 are known to be pathogenic (PMID: 21876083, 24713400). This variant is not present in population databases (gnomAD no frequency). This variant has not been reported in the literature in individuals affected with CHEK2-related conditions.

Myriad Genetics, Inc.
Classification: Pathogenic for Familial cancer of breast. Last evaluated: 2023-06-28. Review status: criteria provided, single submitter. Criteria: Myriad Autosomal Dominant, Autosomal Recessive and X-Linked Classification Criteria (2023). Collection method: clinical testing. Allele origin: unknown.
Comment: This variant is considered pathogenic. This variant creates a frameshift predicted to result in premature protein truncation.

Literature cited by the submitters: PubMed 21876083 (cited by Labcorp Genetics (formerly Invitae), Labcorp); PubMed 24713400 (cited by Labcorp Genetics (formerly Invitae), Labcorp).

NM_007194.4(CHEK2):c.1253_1254insA (p.Phe418fs)

Gene: CHEK2 (checkpoint kinase 2; minus strand). Cytogenetic location: 22q12.1.
Variant type: Insertion.
Coding change: c.1253_1254insA on transcript NM_007194.4 (MANE Select); coding-DNA positions 1253 to 1254, A inserted.
Protein change: p.Phe418fs; shifts the reading frame from phenylalanine 418.
Molecular consequence: frameshift variant.
Genome position: GRCh38 VCF-style: chr22-28695715-A-AT. GRCh37 (hg19) VCF-style: chr22-29091703-A-AT.
Other names: c.1382_1383insA, p.Phe461Leufs (NM_001005735.3); c.590_591insA, p.Phe197Leufs (NM_001257387.3); c.1052_1053insA, p.Phe351Leufs (NM_001349956.3); c.1166_1167insA, p.Phe389Leufs (NM_145862.3); short protein forms F197fs, F351fs, F389fs, F418fs, F461fs.
Identifiers: ClinVar variation 2584330 (VCV002584330.5), dbSNP rs2517803819, ClinGen allele CA2582342784.